The following is an entry in ClinVar:

NM_004984.4(KIF5A):c.1389C>T (p.Asn463=)

Gene: KIF5A (kinesin family member 5A; plus strand). Cytogenetic location: 12q13.3.
Variant type: single nucleotide variant.
Coding change: c.1389C>T on transcript NM_004984.4 (MANE Select); coding-DNA position 1389, C replaced by T.
Protein change: p.Asn463=; no amino-acid change (asparagine 463 retained).
Molecular consequence: synonymous variant.
Genome position (GRCh38, 1-based): chr12:57,572,087, C>T. VCF-style: chr12-57572087-C-T. GRCh37 (hg19) VCF-style: chr12-57965870-C-T.
Other names: c.1122C>T, p.Asn374= (NM_001354705.2).
Identifiers: ClinVar variation 309939 (VCV000309939.41), dbSNP rs112982686, ClinGen allele CA6652850.

ClinVar aggregate classification (germline): Likely benign. Review status: criteria provided, multiple submitters, no conflicts (2 of 4 stars). 5 submissions from 5 submitters: Likely benign (4). 1 of the submissions does not count toward it. Last evaluated 2026-09-01.

Conditions:
Spastic paraplegia. Identifiers: MedGen C0037772, HP:0001258.
Hereditary spastic paraplegia 10 (SPG10). Also called: SPASTIC PARAPLEGIA 10, AUTOSOMAL DOMINANT; SPASTIC PARAPLEGIA 10 WITH OR WITHOUT PERIPHERAL NEUROPATHY; SPASTIC PARAPLEGIA 10 WITH PERIPHERAL NEUROPATHY. Identifiers: Orphanet 100991, MedGen C1858712, MONDO:0011408, OMIM 604187.
KIF5A-related disorder. Also called: KIF5A-related condition; KIF5A-related disorders.

Allele frequency attached by ClinVar (database versions not stated): gnomAD 0.00014 and 0.00015; TOPMed 0.00015; 1000 Genomes Project 30x 0.00016; gnomAD exomes 0.00018 and 0.00022; ExAC 0.00019; 1000 Genomes Project 0.00020; ESP Exome Variant Server 0.00031.

Submissions (5):

CeGaT Center for Human Genetics Tuebingen
Classification: Likely benign. Last evaluated: 2026-09-01. Review status: criteria provided, single submitter. Criteria: CeGaT Center For Human Genetics Tuebingen Variant Classification Criteria Version 2. Collection method: clinical testing. Allele origin: germline. Affected: yes. Observed: 2 variant alleles.
Comment: KIF5A: BP4, BP7

Labcorp Genetics (formerly Invitae), Labcorp
Classification: Likely benign for Spastic paraplegia. Last evaluated: 2026-01-11. Review status: criteria provided, single submitter. Criteria: Invitae Variant Classification Sherloc (09022015). Collection method: clinical testing. Allele origin: germline.

Blueprint Genetics
Classification: Likely benign. Last evaluated: 2024-10-01. Review status: criteria provided, single submitter. Criteria: ACMG Guidelines, 2015. Collection method: clinical testing. Allele origin: germline.

Illumina Laboratory Services, Illumina
Classification: Likely benign for Hereditary spastic paraplegia 10. Last evaluated: 2018-01-12. Review status: criteria provided, single submitter. Criteria: ICSL Variant Classification Criteria 13 December 2019. Collection method: clinical testing. Allele origin: germline.
Comment: This variant was observed in the ICSL laboratory as part of a predisposition screen in an ostensibly healthy population. It had not been previously curated by ICSL or reported in the Human Gene Mutation Database (HGMD: prior to June 1st, 2018), and was therefore a candidate for classification through an automated scoring system. Utilizing variant allele frequency, disease prevalence and penetrance estimates, and inheritance mode, an automated score was calculated to assess if this variant is too frequent to cause the disease. Based on the score and internal cut-off values, a variant classified as likely benign is not then subjected to further curation. The score for this variant resulted in a classification of likely benign for this disease.

PreventionGenetics, part of Exact Sciences
Classification: Likely benign for KIF5A-related condition. Last evaluated: 2019-03-20. Review status: no assertion criteria provided. Collection method: clinical testing. Allele origin: germline. Not counted in ClinVar's aggregate classification.
Comment: This variant is classified as likely benign based on ACMG/AMP sequence variant interpretation guidelines (Richards et al. 2015 PMID: 25741868, with internal and published modifications).